The following is an entry in ClinVar:

NM_001042681.2(RERE):c.2286del (p.Thr763fs)

Gene: RERE (arginine-glutamic acid dipeptide repeats; minus strand). Cytogenetic location: 1p36.23.
Variant type: Deletion.
Coding change: c.2286del on transcript NM_001042681.2 (MANE Select); coding-DNA position 2286, one base deleted (C; older notation c.2286delC).
Protein change: p.Thr763fs; shifts the reading frame from threonine 763.
Molecular consequence: frameshift variant.
Genome position (GRCh38, 1-based): chr1:8,361,221, G deleted on the plus strand (C on the coding strand, the reverse complement: RERE is on the minus strand); the first of 3 consecutive G bases (chr1:8,361,221-8,361,223); deleting any one gives the same sequence. VCF-style (leftmost placement, unchanged base first): chr1-8361220-TG-T. GRCh37 (hg19) VCF-style: chr1-8421280-TG-T.
Other names: c.624del, p.Thr209fs (NM_001042682.2); c.2286del, p.Thr763fs (NM_012102.4); short protein forms T209fs, T763fs.
Identifiers: ClinVar variation 450649 (VCV000450649.2), dbSNP rs1553155576, ClinGen allele CA658656873.

ClinVar aggregate classification (germline): Uncertain significance (1 of 4 stars; one submission).

Submission:

GeneDx
Classification: Uncertain significance. Last evaluated: 2017-07-14. Review status: criteria provided, single submitter. Criteria: GeneDx Variant Classification (06012015). Collection method: clinical testing. Allele origin: germline. Affected: yes.
Comment: A variant of uncertain significance has been identified in the RERE gene. The c.2286delC variant has not been published as a pathogenic variant, nor has it been reported as a benign variant to our knowledge. The c.2286delC variant is not observed in large population cohorts (Lek et al., 2016; 1000 Genomes Consortium et al., 2015; Exome Variant Server). The c.2286delC variant causes a frameshift starting with codon Threonine 763, changes this amino acid to a Arginine residue, and creates a premature Stop codon at position 67 of the new reading frame, denoted p.Thr763ArgfsX67. This variant is predicted to cause loss of normal protein function either through protein truncation or nonsense-mediated mRNA decay. However, loss-of-function is not a known mechanism of disease for the RERE gene. Therefore, based on the currently available information, it is unclear whether this variant is a pathogenic variant or a rare benign variant.